The following is an entry in ClinVar:

ClinVar aggregate classification (germline): Pathogenic/Likely pathogenic. Review status: criteria provided, multiple submitters, no conflicts (2 of 4 stars). 2 submissions from 2 submitters: Pathogenic (1); Likely pathogenic (1). Last evaluated 2024-09-01.

Allele frequency attached by ClinVar (database versions not stated): gnomAD exomes below 0.00001; TOPMed below 0.00001; ExAC 0.00001.

Submissions (2):

CeGaT Center for Human Genetics Tuebingen
Classification: Pathogenic. Last evaluated: 2024-09-01. Review status: criteria provided, single submitter. Criteria: CeGaT Center For Human Genetics Tuebingen Variant Classification Criteria Version 2. Collection method: clinical testing. Allele origin: germline. Affected: yes. Observed: 2 variant alleles.
Comment: MYH2: PVS1, PM2, PM3:Supporting

GeneDx
Classification: Likely pathogenic. Last evaluated: 2019-11-06. Review status: criteria provided, single submitter. Criteria: GeneDx Variant Classification Process June 2021. Collection method: clinical testing. Allele origin: germline. Affected: yes.
Comment: Nonsense variant predicted to result in protein truncation or nonsense mediated decay in a gene for which loss-of-function is a known mechanism of disease; Not observed at a significant frequency in large population cohorts (Lek et al., 2016); Has not been previously published as pathogenic or benign to our knowledge

NM_017534.6(MYH2):c.3502G>T (p.Glu1168Ter)

Genes: MYH2 (myosin heavy chain 2; minus strand), MYHAS (myosin heavy chain gene cluster antisense RNA; plus strand). Cytogenetic location: 17p13.1.
Variant type: single nucleotide variant.
Coding change: c.3502G>T on transcript NM_017534.6 (MANE Select); coding-DNA position 3502, G replaced by T.
Protein change: p.Glu1168Ter; replaces glutamic acid 1168 with a stop codon.
Molecular consequence: nonsense.
Genome position (GRCh38, 1-based): chr17:10,528,932, C>A on the plus strand (G>T on the coding strand, the complement: MYH2 is on the minus strand). VCF-style: chr17-10528932-C-A. GRCh37 (hg19) VCF-style: chr17-10432249-C-A.
Other names: c.3502G>T, p.Glu1168Ter (NM_001100112.2); short protein forms E1168*.
Identifiers: ClinVar variation 620371 (VCV000620371.19), dbSNP rs765529429, ClinGen allele CA8390877.